The following is an entry in ClinVar:

NM_000173.7(GP1BA):c.746G>T (p.Gly249Val)

Gene: GP1BA (glycoprotein Ib platelet subunit alpha; plus strand). Cytogenetic location: 17p13.2.
Variant type: single nucleotide variant.
Coding change: c.746G>T on transcript NM_000173.7 (MANE Select); coding-DNA position 746, G replaced by T.
Protein change: p.Gly249Val; replaces glycine 249 with valine.
Molecular consequence: missense variant.
Genome position (GRCh38, 1-based): chr17:4,933,350, G>T. VCF-style: chr17-4933350-G-T. GRCh37 (hg19) VCF-style: chr17-4836645-G-T.
Other names: G233V; short protein forms G249V.
Identifiers: ClinVar variation 4153 (VCV000004153.5), dbSNP rs121908062, ClinGen allele CA116659.

ClinVar aggregate classification (germline): Pathogenic/Likely pathogenic. Review status: criteria provided, multiple submitters, no conflicts (2 of 4 stars). 4 submissions from 4 submitters: Pathogenic (2); Likely pathogenic (1). 1 of the submissions does not count toward it. Last evaluated 2023-12-28.

Conditions:
GP1BA-related disorders.
Pseudo von Willebrand disease (VWDP). Also called: BLEEDING DISORDER, PLATELET-TYPE, 3; Platelet-type von Willebrand disease. Identifiers: Orphanet 52530, MedGen C1280798, MONDO:0008332, OMIM 177820.

Submissions (4):

Blueprint Genetics
Classification: Pathogenic for GP1BA-related disorders. Last evaluated: 2023-12-28. Review status: criteria provided, single submitter. Criteria: ACMG Guidelines, 2015. Collection method: clinical testing. Allele origin: germline. Affected: yes. Observed: 4 variant alleles.

Genetics and Molecular Pathology, SA Pathology
Classification: Likely pathogenic for Pseudo von Willebrand disease. Last evaluated: 2021-04-20. Review status: criteria provided, single submitter. Criteria: ACMG Guidelines, 2015. Collection method: clinical testing. Allele origin: germline. Inheritance: Autosomal dominant inheritance. Affected: yes.
Comment: The GP1BA c.746G>T variant is classified as Likely Pathogenic (PS3, PM2, PP1, PP3, PP4, PP5)

ISTH-SSC Genomics in Thrombosis and Hemostasis, KU Leuven, Center for Molecular and Vascular Biology
Classification: Pathogenic for Pseudo von Willebrand disease. Review status: criteria provided, single submitter. Criteria: ACMG Guidelines, 2015. Collection method: clinical testing. Allele origin: paternal, maternal, unknown. Affected: yes. Observed: 31 heterozygotes.
Comment: GoldVariant submitter: Maha Othman for Department of Pathology, State University of New York Health Science Center, New York, USA; The Birmingham Children's Hospital NHS Trust, Birmingham, UK; Departments of Haematology, The Ipswich Hospital NHS Trust, Ipswich, UK; Division of Hematology and Hematologic Malignancies, University of Calgary, Calgary, Canada; National Centre for Hereditary Coagulation Disorders, St James’s Hospital, Dublin, Ireland and National Inherited Bleeding Disorder Genotyping Lab, Kingston, Onatrio, Canada

OMIM
Classification: Pathogenic for VON WILLEBRAND DISEASE, PLATELET-TYPE. Last evaluated: 1993-05-01. Review status: no assertion criteria provided. Collection method: literature only. Allele origin: germline. Not counted in ClinVar's aggregate classification.

Literature cited by the submitters: PubMed 34355501 (cited by ISTH-SSC Genomics in Thrombosis and Hemostasis, KU Leuven, Center for Molecular and Vascular Biology); PubMed 2052556 (cited by OMIM); PubMed 8486780 (cited by OMIM).